The following is an entry in ClinVar:

NM_001041.4(SI):c.3527C>T (p.Thr1176Ile)

Gene: SI (sucrase-isomaltase; minus strand). Cytogenetic location: 3q26.1.
Variant type: single nucleotide variant.
Coding change: c.3527C>T on transcript NM_001041.4 (MANE Select); coding-DNA position 3527, C replaced by T.
Protein change: p.Thr1176Ile; replaces threonine 1176 with isoleucine.
Molecular consequence: missense variant.
Genome position (GRCh38, 1-based): chr3:165,017,867, G>A on the plus strand (C>T on the coding strand, the complement: SI is on the minus strand). VCF-style: chr3-165017867-G-A. GRCh37 (hg19) VCF-style: chr3-164735655-G-A.
Other names: short protein forms T1176I.
Identifiers: ClinVar variation 3162038 (VCV003162038.3), dbSNP rs1371441413, ClinGen allele CA355038466.

ClinVar aggregate classification (germline): Uncertain significance. Review status: criteria provided, multiple submitters, no conflicts (2 of 4 stars). 2 submissions from 2 submitters: Uncertain significance (2). Last evaluated 2025-01-13.

Conditions:
Inborn genetic diseases. Identifiers: MedGen C0950123, MeSH D030342.

Allele frequency attached by ClinVar (database versions not stated): gnomAD exomes below 0.00001; TOPMed below 0.00001; gnomAD 0.00001.
gnomAD v4.1: 3 of 1,610,884 alleles (0.00019%); highest among the groups gnomAD compares: Non-Finnish European, 0.00025%; no homozygotes.

Submissions (2):

Labcorp Genetics (formerly Invitae), Labcorp
Classification: Uncertain significance. Last evaluated: 2025-01-13. Review status: criteria provided, single submitter. Criteria: Invitae Variant Classification Sherloc (09022015). Collection method: clinical testing. Allele origin: germline.
Comment: This sequence change replaces threonine, which is neutral and polar, with isoleucine, which is neutral and non-polar, at codon 1176 of the SI protein (p.Thr1176Ile). This variant is not present in population databases (gnomAD no frequency). This variant has not been reported in the literature in individuals affected with SI-related conditions. ClinVar contains an entry for this variant (Variation ID: 3162038). Invitae Evidence Modeling of protein sequence and biophysical properties (such as structural, functional, and spatial information, amino acid conservation, physicochemical variation, residue mobility, and thermodynamic stability) indicates that this missense variant is not expected to disrupt SI protein function with a negative predictive value of 95%. In summary, the available evidence is currently insufficient to determine the role of this variant in disease. Therefore, it has been classified as a Variant of Uncertain Significance.

Ambry Genetics
Classification: Uncertain significance for Inborn genetic diseases. Last evaluated: 2024-01-08. Review status: criteria provided, single submitter. Criteria: Ambry Variant Classification Scheme 2023. Collection method: clinical testing. Allele origin: germline.